The following is an entry in ClinVar:

NM_130837.3(OPA1):c.2984-1G>A

Gene: OPA1 (OPA1 mitochondrial dynamin like GTPase; plus strand). Cytogenetic location: 3q29.
Variant type: single nucleotide variant.
Coding change: c.2984-1G>A on transcript NM_130837.3 (MANE Select); the canonical splice acceptor site of the intron before coding-DNA position 2984, G replaced by A.
Molecular consequence: splice acceptor variant.
Genome position (GRCh38, 1-based): chr3:193,692,062, G>A. VCF-style: chr3-193692062-G-A. GRCh37 (hg19) VCF-style: chr3-193409851-G-A.
Other names: c.2447-1G>A (NM_001354664.2); c.2450-1G>A (NM_001354663.2); c.2873-1G>A (NM_130834.3); c.2930-1G>A (NM_130836.3); c.2819-1G>A (NM_015560.3); c.2876-1G>A (NM_130835.3); c.2765-1G>A (NM_130832.3); c.2822-1G>A (NM_130833.3); and 1 more.
Identifiers: ClinVar variation 3343964 (VCV003343964.1).

ClinVar aggregate classification (germline): Likely pathogenic (1 of 4 stars; one submission).

Submission:

GeneDx
Classification: Likely pathogenic. Last evaluated: 2023-11-21. Review status: criteria provided, single submitter. Criteria: GeneDx Variant Classification Process June 2021. Collection method: clinical testing. Allele origin: germline. Affected: yes.
Comment: Canonical splice site variant predicted to result in protein truncation in a gene for which loss of function is a known mechanism of disease; Not observed at significant frequency in large population cohorts (gnomAD); Identified in a cohort of individuals with optic atophy (PMID: 33841295); This variant is associated with the following publications: (PMID: 33841295)